The following is an entry in ClinVar:

ClinVar aggregate classification (germline): Uncertain significance (1 of 4 stars; one submission).

Conditions:
Brugada syndrome 8 (BRGDA8). Identifiers: Orphanet 130, MedGen C2751083, MONDO:0013148, OMIM 613123.

Allele frequency attached by ClinVar (database versions not stated): TOPMed below 0.00001.

Submission:

Labcorp Genetics (formerly Invitae), Labcorp
Classification: Uncertain significance for Brugada syndrome 8. Last evaluated: 2024-04-15. Review status: criteria provided, single submitter. Criteria: Invitae Variant Classification Sherloc (09022015). Collection method: clinical testing. Allele origin: germline.
Comment: This sequence change replaces glutamic acid, which is acidic and polar, with lysine, which is basic and polar, at codon 1002 of the HCN4 protein (p.Glu1002Lys). This variant is not present in population databases (gnomAD no frequency). This variant has not been reported in the literature in individuals affected with HCN4-related conditions. Advanced modeling of protein sequence and biophysical properties (such as structural, functional, and spatial information, amino acid conservation, physicochemical variation, residue mobility, and thermodynamic stability) performed at Invitae indicates that this missense variant is not expected to disrupt HCN4 protein function with a negative predictive value of 95%. In summary, the available evidence is currently insufficient to determine the role of this variant in disease. Therefore, it has been classified as a Variant of Uncertain Significance.

NM_005477.3(HCN4):c.3004G>A (p.Glu1002Lys)

Gene: HCN4 (hyperpolarization activated cyclic nucleotide gated potassium channel 4; minus strand). Cytogenetic location: 15q24.1.
Variant type: single nucleotide variant.
Coding change: c.3004G>A on transcript NM_005477.3 (MANE Select); coding-DNA position 3004, G replaced by A.
Protein change: p.Glu1002Lys; replaces glutamic acid 1002 with lysine.
Molecular consequence: missense variant.
Genome position (GRCh38, 1-based): chr15:73,323,089, C>T on the plus strand (G>A on the coding strand, the complement: HCN4 is on the minus strand). VCF-style: chr15-73323089-C-T. GRCh37 (hg19) VCF-style: chr15-73615430-C-T.
Other names: short protein forms E1002K.
Identifiers: ClinVar variation 2874224 (VCV002874224.3), dbSNP rs1060500106, ClinGen allele CA393086483.